The following is an entry in ClinVar:

ClinVar aggregate classification (germline): Uncertain significance (1 of 4 stars; one submission).

Conditions:
Cataract 12 multiple types. Identifiers: Orphanet 91492, MedGen C3808115, MONDO:0012701, OMIM 611597.

Allele frequency attached by ClinVar (database versions not stated): ExAC 0.00001; TOPMed 0.00001; gnomAD 0.00002; ESP Exome Variant Server 0.00008.
gnomAD v4.1: 4 of 1,613,870 alleles (0.00025%); highest among the groups gnomAD compares: African/African-American, 0.004%; no homozygotes.

Submission:

Labcorp Genetics (formerly Invitae), Labcorp
Classification: Uncertain significance for Cataract 12 multiple types. Last evaluated: 2023-05-11. Review status: criteria provided, single submitter. Criteria: Invitae Variant Classification Sherloc (09022015). Collection method: clinical testing. Allele origin: germline.
Comment: This sequence change replaces proline, which is neutral and non-polar, with histidine, which is basic and polar, at codon 62 of the BFSP2 protein (p.Pro62His). In summary, the available evidence is currently insufficient to determine the role of this variant in disease. Therefore, it has been classified as a Variant of Uncertain Significance. Advanced modeling of protein sequence and biophysical properties (such as structural, functional, and spatial information, amino acid conservation, physicochemical variation, residue mobility, and thermodynamic stability) has been performed at Invitae for this missense variant, however the output from this modeling did not meet the statistical confidence thresholds required to predict the impact of this variant on BFSP2 protein function. This variant has not been reported in the literature in individuals affected with BFSP2-related conditions. This variant is present in population databases (rs375248662, gnomAD 0.01%).

NM_003571.4(BFSP2):c.185C>A (p.Pro62His)

Gene: BFSP2 (beaded filament structural protein 2; plus strand). Cytogenetic location: 3q22.1.
Variant type: single nucleotide variant.
Coding change: c.185C>A on transcript NM_003571.4 (MANE Select); coding-DNA position 185, C replaced by A.
Protein change: p.Pro62His; replaces proline 62 with histidine.
Molecular consequence: missense variant.
Genome position (GRCh38, 1-based): chr3:133,400,268, C>A. VCF-style: chr3-133400268-C-A. GRCh37 (hg19) VCF-style: chr3-133119112-C-A.
Other names: short protein forms P62H.
Identifiers: ClinVar variation 2860615 (VCV002860615.3), dbSNP rs375248662, ClinGen allele CA2623197.
Genomic context (GRCh38, chr3:133,400,268, plus strand): 5'-CCAGGACCAATGCCATGAGTGGCCTTGTCCGAGCACCCGGGGTCTATGTAGGAACAGCAC[C>A]CAGTGGGTGCATAGGTGGCTTGGGTGCCCGTGTGACCCGCCGGGCCCTCGGCATCAGCAG-3'
Protein context (NP_003562.1, residues 52-72): RAPGVYVGTA[Pro62His]SGCIGGLGAR